The following is an entry in ClinVar:

NM_012210.4(TRIM32):c.973A>T (p.Met325Leu)

Genes: ASTN2 (astrotactin 2; minus strand), TRIM32 (tripartite motif containing 32; plus strand). Cytogenetic location: 9q33.1.
Variant type: single nucleotide variant.
Coding change: c.973A>T on transcript NM_012210.4 (MANE Select); coding-DNA position 973, A replaced by T.
Protein change: p.Met325Leu; replaces methionine 325 with leucine.
Molecular consequence: missense variant. On other transcripts: intron variant (3).
Genome position (GRCh38, 1-based): chr9:116,698,715, A>T. VCF-style: chr9-116698715-A-T. GRCh37 (hg19) VCF-style: chr9-119460994-A-T.
Other names: c.973A>T, p.Met325Leu (NM_001099679.2, NM_001379048.1, NM_001379049.1 and 1 more transcripts); c.2653+27056T>A (NM_014010.5); c.2794+27056T>A (NM_001365069.1); c.2806+27056T>A (NM_001365068.1); short protein forms M325L.
Identifiers: ClinVar variation 1721957 (VCV001721957.5), dbSNP rs148027625, ClinGen allele CA374650597.

ClinVar aggregate classification (germline): Uncertain significance (1 of 4 stars; one submission).

Conditions:
Bardet-Biedl syndrome (BBS). Identifiers: Orphanet 110, MedGen C0752166, MONDO:0015229.

Submission:

Labcorp Genetics (formerly Invitae), Labcorp
Classification: Uncertain significance for Bardet-Biedl syndrome. Last evaluated: 2023-12-22. Review status: criteria provided, single submitter. Criteria: Invitae Variant Classification Sherloc (09022015). Collection method: clinical testing. Allele origin: germline.
Comment: This sequence change replaces methionine, which is neutral and non-polar, with leucine, which is neutral and non-polar, at codon 325 of the TRIM32 protein (p.Met325Leu). This variant is not present in population databases (gnomAD no frequency). This variant has not been reported in the literature in individuals affected with TRIM32-related conditions. ClinVar contains an entry for this variant (Variation ID: 1721957). An algorithm developed to predict the effect of missense changes on protein structure and function (PolyPhen-2) suggests that this variant is likely to be tolerated. In summary, the available evidence is currently insufficient to determine the role of this variant in disease. Therefore, it has been classified as a Variant of Uncertain Significance.